The following is an entry in ClinVar:

NM_000059.4(BRCA2):c.4113G>C (p.Gln1371His)

Gene: BRCA2 (BRCA2 DNA repair associated; plus strand). Cytogenetic location: 13q13.1.
Variant type: single nucleotide variant.
Coding change: c.4113G>C on transcript NM_000059.4 (MANE Select); coding-DNA position 4113, G replaced by C.
Protein change: p.Gln1371His; replaces glutamine 1371 with histidine.
Molecular consequence: missense variant.
Genome position (GRCh38, 1-based): chr13:32,338,468, G>C. VCF-style: chr13-32338468-G-C. GRCh37 (hg19) VCF-style: chr13-32912605-G-C.
Other names: short protein forms Q1371H.
Identifiers: ClinVar variation 491268 (VCV000491268.23), dbSNP rs1555283563, ClinGen allele CA387779298.
Genomic context (GRCh38, chr13:32,338,468, plus strand): 5'-AGATGAAACGGACTTGCTATTTACTGATCAGCACAACATATGTCTTAAATTATCTGGCCA[G>C]TTTATGAAGGAGGGAAACACTCAGATTAAAGAAGATTTGTCAGATTTAACTTTTTTGGAA-3'
Protein context (NP_000050.3, residues 1361-1381): QHNICLKLSG[Gln1371His]FMKEGNTQIK

ClinVar aggregate classification (germline): Conflicting classifications of pathogenicity. Review status: criteria provided, conflicting classifications (1 of 4 stars). 5 submissions from 5 submitters: Uncertain significance (4); Likely benign (1). Last evaluated 2024-09-23.

Conditions:
Hereditary breast ovarian cancer syndrome. Also called: Hereditary breast and/or ovarian cancer syndrome; BRCA1- and BRCA2-Associated Hereditary Breast and Ovarian Cancer; Breast and ovarian cancer; Hereditary breast and ovarian cancer; Hereditary breast and ovarian cancer syndrome; Hereditary breast and ovarian cancer syndrome (HBOC). Identifiers: Orphanet 145, MedGen C0677776, MeSH D061325, MONDO:0003582. Disease mechanism: loss of function.
BRCA2-related cancer predisposition. Identifiers: MedGen CN377758, MONDO:0700269.
Hereditary cancer-predisposing syndrome. Also called: Hereditary neoplastic syndrome; Tumor predisposition; Hereditary Cancer Syndrome; Neoplastic Syndromes, Hereditary. Identifiers: Orphanet 140162, MedGen C0027672, MeSH D009386, MONDO:0015356.

Submissions (5):

All of Us Research Program, National Institutes of Health
Classification: Uncertain significance for BRCA2-related cancer predisposition. Last evaluated: 2024-09-23. Review status: criteria provided, single submitter. Criteria: ACMG Guidelines, 2015. Collection method: clinical testing. Allele origin: germline. Inheritance: Autosomal dominant inheritance. Observed: 1 variant allele, 1 heterozygote.
Comment: This study involves interpretation of variants in research participants for the purpose of population health screening. Participant phenotype was not available at the time of variant classification. Additional details can be found in publication PMID: 35346344, PMCID: PMC8962531

Color Diagnostics, LLC DBA Color Health
Classification: Uncertain significance for Hereditary cancer-predisposing syndrome. Last evaluated: 2023-12-05. Review status: criteria provided, single submitter. Criteria: ACMG Guidelines, 2015. Collection method: clinical testing. Allele origin: germline.
Comment: This missense variant replaces glutamine with histidine at codon 1371 of the BRCA2 protein. Computational prediction suggests that this variant may not impact protein structure and function (internally defined REVEL score threshold <= 0.5, PMID: 27666373). To our knowledge, functional studies have not been reported for this variant. This variant has not been reported in individuals affected with BRCA2-related disorders in the literature. This variant has not been identified in the general population by the Genome Aggregation Database (gnomAD). The available evidence is insufficient to determine the role of this variant in disease conclusively. Therefore, this variant is classified as a Variant of Uncertain Significance.

University of Washington Department of Laboratory Medicine, University of Washington
Classification: Likely benign for Hereditary cancer-predisposing syndrome. Last evaluated: 2023-03-23. Review status: criteria provided, single submitter. Criteria: Dines et al. (Genet Med. 2020). Collection method: curation. Allele origin: germline.
Comment: Missense variant in a coldspot region where missense variants are very unlikely to be pathogenic (PMID:31911673).

BRCA2 exon 11 coldspot. Reclassification based on statistical prior probability.

Ambry Genetics
Classification: Uncertain significance for Hereditary cancer-predisposing syndrome. Last evaluated: 2023-03-15. Review status: criteria provided, single submitter. Criteria: Ambry Variant Classification Scheme 2023. Collection method: clinical testing. Allele origin: germline.
Comment: The p.Q1371H variant (also known as c.4113G>C), located in coding exon 10 of the BRCA2 gene, results from a G to C substitution at nucleotide position 4113. The glutamine at codon 1371 is replaced by histidine, an amino acid with highly similar properties. This amino acid position is well conserved in available vertebrate species. In addition, this alteration is predicted to be tolerated by in silico analysis. Since supporting evidence is limited at this time, the clinical significance of this alteration remains unclear.

Labcorp Genetics (formerly Invitae), Labcorp
Classification: Uncertain significance for Hereditary breast ovarian cancer syndrome. Last evaluated: 2022-06-26. Review status: criteria provided, single submitter. Criteria: Invitae Variant Classification Sherloc (09022015). Collection method: clinical testing. Allele origin: germline.
Comment: This variant is not present in population databases (gnomAD no frequency). This sequence change replaces glutamine, which is neutral and polar, with histidine, which is basic and polar, at codon 1371 of the BRCA2 protein (p.Gln1371His). This variant has not been reported in the literature in individuals affected with BRCA2-related conditions. In summary, the available evidence is currently insufficient to determine the role of this variant in disease. Therefore, it has been classified as a Variant of Uncertain Significance. Advanced modeling of protein sequence and biophysical properties (such as structural, functional, and spatial information, amino acid conservation, physicochemical variation, residue mobility, and thermodynamic stability) performed at Invitae indicates that this missense variant is not expected to disrupt BRCA2 protein function. ClinVar contains an entry for this variant (Variation ID: 491268).